The following is an entry in ClinVar:

NM_021009.7(UBC):c.981T>C (p.Ile327=)

Gene: UBC (ubiquitin C; minus strand). Cytogenetic location: 12q24.31.
Variant type: single nucleotide variant.
Coding change: c.981T>C on transcript NM_021009.7 (MANE Select); coding-DNA position 981, T replaced by C.
Protein change: p.Ile327=; no amino-acid change (isoleucine 327 retained).
Molecular consequence: synonymous variant.
Genome position (GRCh38, 1-based): chr12:124,912,791, A>G on the plus strand (T>C on the coding strand, the complement: UBC is on the minus strand). VCF-style: chr12-124912791-A-G. GRCh37 (hg19) VCF-style: chr12-125397337-A-G.
Identifiers: ClinVar variation 1698276 (VCV001698276.10), dbSNP rs150274132, ClinGen allele CA6870963.

ClinVar aggregate classification (germline): Likely benign. Review status: criteria provided, multiple submitters, no conflicts (2 of 4 stars). 2 submissions from 2 submitters: Likely benign (2). Last evaluated 2026-05-01.

Allele frequency attached by ClinVar (database versions not stated): ESP Exome Variant Server 0.00139; gnomAD exomes 0.00166; gnomAD 0.00242 and 0.00247; ExAC 0.00338; 1000 Genomes Project 30x 0.00453.

Submissions (2):

CeGaT Center for Human Genetics Tuebingen
Classification: Likely benign. Last evaluated: 2026-05-01. Review status: criteria provided, single submitter. Criteria: CeGaT Center For Human Genetics Tuebingen Variant Classification Criteria Version 2. Collection method: clinical testing. Allele origin: germline. Affected: yes. Observed: 2 variant alleles.
Comment: UBC: BP4, BP7

GeneDx
Classification: Likely benign. Last evaluated: 2022-01-20. Review status: criteria provided, single submitter. Criteria: GeneDx Variant Classification Process June 2021. Collection method: clinical testing. Allele origin: germline. Affected: yes.
Comment: See Variant Classification Assertion Criteria.